The following is an entry in ClinVar:

ClinVar aggregate classification (germline): Pathogenic (3 of 4 stars; one submission).

Conditions:
Lynch syndrome. Identifiers: Orphanet 144, MedGen C4552100, MONDO:0005835. Disease mechanism: loss of function.

Submission:

International Society for Gastrointestinal Hereditary Tumours (InSiGHT)
Classification: Pathogenic for Lynch Syndrome. Last evaluated: 2013-09-05. Review status: reviewed by expert panel. Criteria: Guidelines v1.9. Collection method: research. Allele origin: germline.
Comment: Coding sequence variation resulting in a stop codon

Classified with v1.9 guidelines

NM_000179.3(MSH6):c.1614_1615delinsG (p.Tyr538_Leu539delinsTer)

Gene: MSH6 (mutS homolog 6; plus strand). Cytogenetic location: 2p16.3.
Variant type: Indel.
Coding change: c.1614_1615delinsG on transcript NM_000179.3 (MANE Select); coding-DNA positions 1614 to 1615, TC replaced by G.
Protein change: p.Tyr538_Leu539delinsTer.
Molecular consequence: nonsense.
Genome position (GRCh38, 1-based): chr2:47,799,597-47,799,598, TC replaced by G. VCF-style: chr2-47799597-TC-G. GRCh37 (hg19) VCF-style: chr2-48026736-TC-G.
Other names: c.1224_1225delinsG, p.Tyr408_Leu409delinsTer (NM_001281492.2); c.708_709delinsG, p.Tyr236_Leu237delinsTer (NM_001281493.2, NM_001281494.2).
Identifiers: ClinVar variation 89207 (VCV000089207.2), dbSNP rs587779218, ClinGen allele CA008889.